The following is an entry in ClinVar:

ClinVar aggregate classification (germline): Uncertain significance. Review status: criteria provided, multiple submitters, no conflicts (2 of 4 stars). 2 submissions from 2 submitters: Uncertain significance (2). Last evaluated 2022-08-17.

Allele frequency attached by ClinVar (database versions not stated): ESP Exome Variant Server 0.00008; gnomAD 0.00013; TOPMed 0.00014; gnomAD exomes 0.00015 and 0.00028; ExAC 0.00020.
gnomAD v4.1: 422 of 1,610,152 alleles (0.026%); highest among the groups gnomAD compares: Non-Finnish European, 0.032%; no homozygotes.

Submissions (2):

Ambry Genetics
Classification: Uncertain significance. Last evaluated: 2022-08-17. Review status: criteria provided, single submitter. Criteria: Ambry Variant Classification Scheme 2023. Collection method: clinical testing. Allele origin: germline.

Labcorp Genetics (formerly Invitae), Labcorp
Classification: Uncertain significance. Last evaluated: 2022-02-23. Review status: criteria provided, single submitter. Criteria: Invitae Variant Classification Sherloc (09022015). Collection method: clinical testing. Allele origin: germline.
Comment: This sequence change replaces arginine, which is basic and polar, with cysteine, which is neutral and slightly polar, at codon 40 of the PAM16 protein (p.Arg40Cys). This variant is present in population databases (rs146773339, gnomAD 0.03%). This variant has not been reported in the literature in individuals affected with PAM16-related conditions. Algorithms developed to predict the effect of missense changes on protein structure and function are either unavailable or do not agree on the potential impact of this missense change (SIFT: "Deleterious"; PolyPhen-2: "Benign"; Align-GVGD: "Class C15"). In summary, the available evidence is currently insufficient to determine the role of this variant in disease. Therefore, it has been classified as a Variant of Uncertain Significance.

NM_016069.11(PAM16):c.118C>T (p.Arg40Cys)

Genes: CORO7-PAM16 (CORO7-PAM16 readthrough; minus strand), PAM16 (presequence translocase associated motor 16; minus strand). Cytogenetic location: 16p13.3.
Variant type: single nucleotide variant.
Coding change: c.118C>T on transcript NM_016069.11 (MANE Select); coding-DNA position 118, C replaced by T.
Protein change: p.Arg40Cys; replaces arginine 40 with cysteine.
Molecular consequence: missense variant.
Genome position (GRCh38, 1-based): chr16:4,341,475, G>A on the plus strand (C>T on the coding strand, the complement: PAM16 is on the minus strand). VCF-style: chr16-4341475-G-A. GRCh37 (hg19) VCF-style: chr16-4391476-G-A.
Other names: c.2887C>T, p.Arg963Cys (NM_001201479.2); short protein forms R963C, R40C.
Identifiers: ClinVar variation 1519043 (VCV001519043.4), dbSNP rs146773339, ClinGen allele CA7873446.
Genomic context (GRCh38, chr16:4,341,475, plus strand): 5'-GTGCCTCCTGGAGGCTGAGGCCGGAGAGGTTGGAAGCGGCTGCAGACCGGTGTCCAGCGC[G>A]TCCTCGGGCATCAGCTGCGGCCCGGCTGGCTGTGTGGACATGTGGGTGATCGCTCAGTCC-3'
Protein context (NP_057153.8, residues 30-50): ASRAAADARG[Arg40Cys]AGHRSAAASN